The following is an entry in ClinVar:

NM_000503.6(EYA1):c.585A>G (p.Ile195Met)

Gene: EYA1 (EYA transcriptional coactivator and phosphatase 1; minus strand). Cytogenetic location: 8q13.3.
Variant type: single nucleotide variant.
Coding change: c.585A>G on transcript NM_000503.6 (MANE Select); coding-DNA position 585, A replaced by G.
Protein change: p.Ile195Met; replaces isoleucine 195 with methionine.
Molecular consequence: missense variant.
Genome position (GRCh38, 1-based): chr8:71,299,692, T>C on the plus strand (A>G on the coding strand, the complement: EYA1 is on the minus strand). VCF-style: chr8-71299692-T-C. GRCh37 (hg19) VCF-style: chr8-72211927-T-C.
Other names: c.567A>G, p.Ile189Met (NM_001288574.2); c.219A>G, p.Ile73Met (NM_001288575.2); c.672A>G, p.Ile224Met (NM_001370333.1); c.585A>G, p.Ile195Met (NM_001370334.1, NM_001370335.1, NM_172058.4); c.654A>G, p.Ile218Met (NM_001370336.1); c.486A>G, p.Ile162Met (NM_001411797.1, NM_172060.4); c.657A>G, p.Ile219Met (NM_172059.5); c.585A>G (NM_172058.3, NM_000503.4); short protein forms I73M, I195M, I162M, I189M, I218M, I219M, I224M.
Identifiers: ClinVar variation 2062548 (VCV002062548.6), dbSNP rs780672889, ClinGen allele CA4779720.

ClinVar aggregate classification (germline): Uncertain significance. Review status: criteria provided, multiple submitters, no conflicts (2 of 4 stars). 3 submissions from 3 submitters: Uncertain significance (3). Last evaluated 2026-04-16.

Conditions:
EYA1-related disorder. Also called: EYA1-related condition.
Inborn genetic diseases. Identifiers: MedGen C0950123, MeSH D030342.
Melnick-Fraser syndrome (BOR). Also called: Branchio-oto-renal syndrome; Branchiootorenal Syndrome (BORS); Branchiootorenal syndrome. Identifiers: Orphanet 107, MedGen C0265234, MONDO:0007029.

Allele frequency attached by ClinVar (database versions not stated): gnomAD 0.00001; gnomAD exomes 0.00001; TOPMed 0.00005; ExAC 0.00006.
gnomAD v4.1: 10 of 1,581,706 alleles (0.00063%); highest among the groups gnomAD compares: Admixed American, 0.012%; no homozygotes.

Submissions (3):

PreventionGenetics, part of Exact Sciences
Classification: Uncertain significance for EYA1-related condition. Last evaluated: 2026-04-16. Review status: criteria provided, single submitter. Criteria: ACMG Guidelines, 2015. Collection method: clinical testing. Allele origin: germline.
Comment: The EYA1 c.585A>G variant is predicted to result in the amino acid substitution p.Ile195Met. This variant has been reported in the heterozygous state in an individual with primary open angle glaucoma (Patient G455 in Huang et al. 2015. PubMed ID: 26310487). This variant is reported in 0.055% of alleles in individuals of East Asian descent in gnomAD. At this time, the clinical significance of this variant is uncertain due to the absence of conclusive functional and genetic evidence.

Labcorp Genetics (formerly Invitae), Labcorp
Classification: Uncertain significance for Melnick-Fraser syndrome. Last evaluated: 2024-06-03. Review status: criteria provided, single submitter. Criteria: Invitae Variant Classification Sherloc (09022015). Collection method: clinical testing. Allele origin: germline.
Comment: This sequence change replaces isoleucine, which is neutral and non-polar, with methionine, which is neutral and non-polar, at codon 195 of the EYA1 protein (p.Ile195Met). This variant is present in population databases (rs780672889, gnomAD 0.06%), and has an allele count higher than expected for a pathogenic variant. This missense change has been observed in individual(s) with branchiootorenal syndrome (PMID: 18220287). ClinVar contains an entry for this variant (Variation ID: 2062548). Advanced modeling of protein sequence and biophysical properties (such as structural, functional, and spatial information, amino acid conservation, physicochemical variation, residue mobility, and thermodynamic stability) performed at Invitae indicates that this missense variant is not expected to disrupt EYA1 protein function with a negative predictive value of 80%. In summary, the available evidence is currently insufficient to determine the role of this variant in disease. Therefore, it has been classified as a Variant of Uncertain Significance.

Ambry Genetics
Classification: Uncertain significance for Inborn genetic diseases. Last evaluated: 2024-04-19. Review status: criteria provided, single submitter. Criteria: Ambry Variant Classification Scheme 2023. Collection method: clinical testing. Allele origin: germline.

Literature cited by the submitters: PubMed 18220287 (cited by Labcorp Genetics (formerly Invitae), Labcorp and Ambry Genetics); PubMed 26310487 (cited by Ambry Genetics).